The following is an entry in ClinVar:

NM_002181.4(IHH):c.557T>A (p.Val186Glu)

Gene: IHH (Indian hedgehog signaling molecule; minus strand). Cytogenetic location: 2q35.
Variant type: single nucleotide variant.
Coding change: c.557T>A on transcript NM_002181.4 (MANE Select); coding-DNA position 557, T replaced by A.
Protein change: p.Val186Glu; replaces valine 186 with glutamic acid.
Molecular consequence: missense variant.
Genome position (GRCh38, 1-based): chr2:219,057,453, A>T on the plus strand (T>A on the coding strand, the complement: IHH is on the minus strand). VCF-style: chr2-219057453-A-T. GRCh37 (hg19) VCF-style: chr2-219922175-A-T.
Other names: short protein forms V186E.
Identifiers: ClinVar variation 3903057 (VCV003903057.1).

ClinVar aggregate classification (germline): Uncertain significance (1 of 4 stars; one submission).

Submission:

GeneDx
Classification: Uncertain significance. Last evaluated: 2024-12-13. Review status: criteria provided, single submitter. Criteria: GeneDx Variant Classification Process June 2021. Collection method: clinical testing. Allele origin: germline. Affected: yes.
Comment: Not observed at significant frequency in large population cohorts (gnomAD); In silico analysis supports that this missense variant has a deleterious effect on protein structure/function; Has not been previously published as pathogenic or benign to our knowledge